The following is an entry in ClinVar:

ClinVar aggregate classification (germline): Conflicting classifications of pathogenicity. Review status: criteria provided, conflicting classifications (1 of 4 stars). 3 submissions from 3 submitters: Uncertain significance (2); Likely benign (1). Last evaluated 2025-08-07.

Conditions:
Inborn genetic diseases. Identifiers: MedGen C0950123, MeSH D030342.

Allele frequency attached by ClinVar (database versions not stated): gnomAD exomes 0.00001; ExAC 0.00004; TOPMed 0.00006.
gnomAD v4.1: 17 of 1,613,592 alleles (0.0011%); highest among the groups gnomAD compares: African/African-American, 0.023%; no homozygotes.

Submissions (3):

Ambry Genetics
Classification: Uncertain significance for Inborn genetic diseases. Last evaluated: 2025-08-07. Review status: criteria provided, single submitter. Criteria: Ambry Variant Classification Scheme 2023. Collection method: clinical testing. Allele origin: germline.

Labcorp Genetics (formerly Invitae), Labcorp
Classification: Likely benign. Last evaluated: 2024-01-16. Review status: criteria provided, single submitter. Criteria: Invitae Variant Classification Sherloc (09022015). Collection method: clinical testing. Allele origin: germline.

GeneDx
Classification: Uncertain significance. Last evaluated: 2023-06-14. Review status: criteria provided, single submitter. Criteria: GeneDx Variant Classification Process June 2021. Collection method: clinical testing. Allele origin: germline. Affected: yes.
Comment: In silico analysis supports that this missense variant does not alter protein structure/function; Has not been previously published as pathogenic or benign to our knowledge

NM_016239.4(MYO15A):c.1195T>C (p.Tyr399His)

Gene: MYO15A (myosin XVA; plus strand). Cytogenetic location: 17p11.2.
Variant type: single nucleotide variant.
Coding change: c.1195T>C on transcript NM_016239.4 (MANE Select); coding-DNA position 1195, T replaced by C.
Protein change: p.Tyr399His; replaces tyrosine 399 with histidine.
Molecular consequence: missense variant.
Genome position (GRCh38, 1-based): chr17:18,119,995, T>C. VCF-style: chr17-18119995-T-C. GRCh37 (hg19) VCF-style: chr17-18023309-T-C.
Other names: c.1195T>C (NM_016239.3); short protein forms Y399H.
Identifiers: ClinVar variation 2764480 (VCV002764480.5), dbSNP rs750617462, ClinGen allele CA8423051.